The following is an entry in ClinVar:

ClinVar aggregate classification (germline): Uncertain significance (1 of 4 stars; one submission).

Conditions:
Immunodeficiency 39 (IMD39). Identifiers: Orphanet 574918, MedGen C4225358, MONDO:0014597, OMIM 616345.

Allele frequency attached by ClinVar (database versions not stated): ExAC 0.00002.
gnomAD v4.1: 3 of 1,570,940 alleles (0.00019%); highest among the groups gnomAD compares: South Asian, 0.0023%; no homozygotes.

Submission:

Labcorp Genetics (formerly Invitae), Labcorp
Classification: Uncertain significance for Immunodeficiency 39. Last evaluated: 2022-11-01. Review status: criteria provided, single submitter. Criteria: Invitae Variant Classification Sherloc (09022015). Collection method: clinical testing. Allele origin: germline.
Comment: The frequency data for this variant in the population databases is considered unreliable, as metrics indicate poor data quality at this position in the gnomAD database. This variant has not been reported in the literature in individuals affected with IRF7-related conditions. ClinVar contains an entry for this variant (Variation ID: 969401). Algorithms developed to predict the effect of missense changes on protein structure and function output the following: SIFT: "Deleterious"; PolyPhen-2: "Benign"; Align-GVGD: "Class C0". The cysteine amino acid residue is found in multiple mammalian species, which suggests that this missense change does not adversely affect protein function. In summary, the available evidence is currently insufficient to determine the role of this variant in disease. Therefore, it has been classified as a Variant of Uncertain Significance. This sequence change replaces arginine, which is basic and polar, with cysteine, which is neutral and slightly polar, at codon 6 of the IRF7 protein (p.Arg6Cys).

NM_001572.5(IRF7):c.20+42C>T

Gene: IRF7 (interferon regulatory factor 7; minus strand). Cytogenetic location: 11p15.5.
Variant type: single nucleotide variant.
Coding change: c.20+42C>T on transcript NM_001572.5 (MANE Select); 42 bases into the intron after coding-DNA position 20, C replaced by T.
Molecular consequence: intron variant. On other transcripts: missense variant (1).
Genome position (GRCh38, 1-based): chr11:615,303, G>A on the plus strand (C>T on the coding strand, the complement: IRF7 is on the minus strand). VCF-style: chr11-615303-G-A. GRCh37 (hg19) VCF-style: chr11-615303-G-A.
Other names: c.16C>T, p.Arg6Cys (NM_004031.4); c.20+42C>T (NM_004029.4); short protein forms R6C.
Identifiers: ClinVar variation 969401 (VCV000969401.10), dbSNP rs779529956, ClinGen allele CA5784127.